The following is an entry in ClinVar:

NM_000488.4(SERPINC1):c.1096C>G (p.Gln366Glu)

Gene: SERPINC1 (serpin family C member 1; minus strand). Cytogenetic location: 1q25.1.
Variant type: single nucleotide variant.
Coding change: c.1096C>G on transcript NM_000488.4 (MANE Select); coding-DNA position 1096, C replaced by G.
Protein change: p.Gln366Glu; replaces glutamine 366 with glutamic acid.
Molecular consequence: missense variant.
Genome position (GRCh38, 1-based): chr1:173,909,609, G>C on the plus strand (C>G on the coding strand, the complement: SERPINC1 is on the minus strand). VCF-style: chr1-173909609-G-C. GRCh37 (hg19) VCF-style: chr1-173878747-G-C.
Other names: c.952C>G, p.Gln318Glu (NM_001365052.2); c.1219C>G, p.Gln407Glu (NM_001386302.1); c.1177C>G, p.Gln393Glu (NM_001386303.1); c.1075C>G, p.Gln359Glu (NM_001386304.1); c.1039C>G, p.Gln347Glu (NM_001386305.1); c.880C>G, p.Gln294Glu (NM_001386306.1); short protein forms Q366E, Q318E, Q294E, Q347E, Q359E, Q393E, Q407E.
Identifiers: ClinVar variation 293836 (VCV000293836.18), dbSNP rs565091601, ClinGen allele CA1251281.

ClinVar aggregate classification (germline): Uncertain significance. Review status: criteria provided, multiple submitters, no conflicts (2 of 4 stars). 3 submissions from 3 submitters: Uncertain significance (2). 1 of the submissions does not count toward it. Last evaluated 2025-06-02.

Conditions:
Hereditary antithrombin deficiency (AT3D). Also called: Antithrombin III deficiency; Thrombophilia due to antithrombin III deficiency; Reduced antithrombin III activity; Antithrombin deficiency. Identifiers: Orphanet 82, MedGen C0272375, MONDO:0013144, OMIM 613118, HP:0001976.

Allele frequency attached by ClinVar (database versions not stated): gnomAD 0.00004; gnomAD exomes 0.00004 and 0.00005; TOPMed 0.00005; ExAC 0.00007; 1000 Genomes Project 30x 0.00031; 1000 Genomes Project 0.00040.
gnomAD v4.1: 75 of 1,613,990 alleles (0.0046%); highest among the groups gnomAD compares: Middle Eastern, 0.017%; no homozygotes.

Submissions (3):

Women's Health and Genetics/Laboratory Corporation of America, LabCorp
Classification: Uncertain significance. Last evaluated: 2025-06-02. Review status: criteria provided, single submitter. Criteria: LabCorp Variant Classification Summary - May 2015. Collection method: clinical testing. Allele origin: germline.
Comment: Variant summary: SERPINC1 c.1096C>G (p.Gln366Glu) results in a conservative amino acid change in the encoded protein sequence. Algorithms developed to predict the effect of missense changes on protein structure and function are either unavailable or do not agree on the potential impact of this missense change. The variant allele was found at a frequency of 4.4e-05 in 251094 control chromosomes. This frequency is not significantly higher than estimated for a pathogenic variant in SERPINC1 causing Antithrombin III Deficiency, allowing no conclusion about variant significance. c.1096C>G has been observed in a cohort study investigating antithrombin deficiency (e.g., Manders_2022). This report does not provide unequivocal conclusions about association of the variant with Antithrombin III Deficiency. To our knowledge, no experimental evidence demonstrating an impact on protein function has been reported. The following publication has been ascertained in the context of this evaluation (PMID: 35112923). ClinVar contains an entry for this variant (Variation ID: 293836). Based on the evidence outlined above, the variant was classified as uncertain significance.

ISTH-SSC Genomics in Thrombosis and Hemostasis, KU Leuven, Center for Molecular and Vascular Biology
Classification: Uncertain significance for Hereditary antithrombin deficiency. Review status: criteria provided, single submitter. Criteria: ACMG Guidelines, 2015. Collection method: clinical testing. Allele origin: unknown. Affected: yes.
Comment: Submitted to GoldVariant by Kathleen Freson, Center for Molecular and Vascular Biology, Leuven, Belgium

Zotz-Klimas Genetics Lab, MVZ Zotz Klimas
Classification: Uncertain significance for Hereditary antithrombin deficiency. Last evaluated: 2023-10-30. Review status: no assertion criteria provided. Collection method: clinical testing. Allele origin: germline. Affected: yes. Not counted in ClinVar's aggregate classification.

Literature cited by the submitters: PubMed 35112923 (cited by Women's Health and Genetics/Laboratory Corporation of America, LabCorp); PubMed 34355501 (cited by ISTH-SSC Genomics in Thrombosis and Hemostasis, KU Leuven, Center for Molecular and Vascular Biology).